The following is an entry in ClinVar:

NM_001009944.3(PKD1):c.8874G>A (p.Ser2958=)

Gene: PKD1 (polycystin 1, transient receptor potential channel interacting; minus strand). Cytogenetic location: 16p13.3.
Variant type: single nucleotide variant.
Coding change: c.8874G>A on transcript NM_001009944.3 (MANE Select); coding-DNA position 8874, G replaced by A.
Protein change: p.Ser2958=; no amino-acid change (serine 2958 retained).
Molecular consequence: synonymous variant.
Genome position (GRCh38, 1-based): chr16:2,102,888, C>T on the plus strand (G>A on the coding strand, the complement: PKD1 is on the minus strand). VCF-style: chr16-2102888-C-T. GRCh37 (hg19) VCF-style: chr16-2152889-C-T.
Other names: c.8874G>A, p.Ser2958= (NM_000296.4).
Identifiers: ClinVar variation 4978943 (VCV004978943.1).

ClinVar aggregate classification (germline): Likely benign (1 of 4 stars; one submission).

Conditions:
PKD1-related disorder. Also called: PKD1-related condition.

gnomAD v4.1: 83 of 1,610,108 alleles (0.0052%); highest among the groups gnomAD compares: East Asian, 0.071%; no homozygotes.

Submission:

PreventionGenetics, part of Exact Sciences
Classification: Likely benign for PKD1-related condition. Last evaluated: 2025-10-21. Review status: criteria provided, single submitter. Criteria: ACMG Guidelines, 2015. Collection method: clinical testing. Allele origin: germline.
Comment: This variant is classified as likely benign based on ACMG/AMP sequence variant interpretation guidelines (Richards et al. 2015 PMID: 25741868, with internal and published modifications).